The following is an entry in ClinVar:

NM_000350.3(ABCA4):c.859-1G>C

Gene: ABCA4 (ATP binding cassette subfamily A member 4; minus strand). Cytogenetic location: 1p22.1.
Variant type: single nucleotide variant.
Coding change: c.859-1G>C on transcript NM_000350.3 (MANE Select); the canonical splice acceptor site of the intron before coding-DNA position 859, G replaced by C.
Molecular consequence: splice acceptor variant.
Genome position (GRCh38, 1-based): chr1:94,080,719, C>G on the plus strand (G>C on the coding strand, the complement: ABCA4 is on the minus strand). VCF-style: chr1-94080719-C-G. GRCh37 (hg19) VCF-style: chr1-94546275-C-G.
Identifiers: ClinVar variation 1466324 (VCV001466324.8), dbSNP rs2101107143, ClinGen allele CA341284544.
Genomic context (GRCh38, chr1:94,080,719, plus strand): 5'-ATTCTGCATGAGGGGCCTGGTCACCCACAGCAAGTCCTGCATACTCGGCCGATGGATAAA[C>G]TAGGGCAAGGCAAAGTCTTCAGGTTATTTTAAGGCAGCTAGAGTCATAATCTGCTGTGAG-3'

ClinVar aggregate classification (germline): Likely pathogenic (1 of 4 stars; one submission).

Submission:

Labcorp Genetics (formerly Invitae), Labcorp
Classification: Likely pathogenic. Last evaluated: 2021-05-04. Review status: criteria provided, single submitter. Criteria: Invitae Variant Classification Sherloc (09022015). Collection method: clinical testing. Allele origin: germline.
Comment: This sequence change affects an acceptor splice site in intron 7 of the ABCA4 gene. It is expected to disrupt RNA splicing. Variants that disrupt the donor or acceptor splice site typically lead to a loss of protein function (PMID: 16199547), and loss-of-function variants in ABCA4 are known to be pathogenic (PMID: 10958761, 24938718, 25312043, 26780318). This variant is not present in population databases (ExAC no frequency). This variant has been observed in individual(s) with Stargardt disease (Invitae). Algorithms developed to predict the effect of sequence changes on RNA splicing suggest that this variant may disrupt the consensus splice site, but this prediction has not been confirmed by published transcriptional studies. In summary, the currently available evidence indicates that the variant is pathogenic, but additional data are needed to prove that conclusively. Therefore, this variant has been classified as Likely Pathogenic.

Literature cited by the submitters: PubMed 16199547; PubMed 10958761; PubMed 24938718; PubMed 25312043; PubMed 26780318.